The following is an entry in ClinVar:

NM_000719.7(CACNA1C):c.5500G>A (p.Asp1834Asn)

Genes: CACNA1C (calcium voltage-gated channel subunit alpha1 C; plus strand), CACNA1C-AS1 (CACNA1C antisense RNA 1; minus strand). Cytogenetic location: 12p13.33.
Variant type: single nucleotide variant.
Coding change: c.5500G>A on transcript NM_000719.7 (MANE Select); coding-DNA position 5500, G replaced by A.
Protein change: p.Asp1834Asn; replaces aspartic acid 1834 with asparagine.
Molecular consequence: missense variant.
Genome position (GRCh38, 1-based): chr12:2,682,605, G>A. VCF-style: chr12-2682605-G-A. GRCh37 (hg19) VCF-style: chr12-2791771-G-A.
Other names: c.5557G>A, p.Asp1853Asn (NM_001129835.2, NM_001129834.2, NM_001129833.2); c.5551G>A, p.Asp1851Asn (NM_001129836.2); c.5524G>A, p.Asp1842Asn (NM_001129837.2, NM_001129838.2); c.5518G>A, p.Asp1840Asn (NM_001129839.2); c.5500G>A, p.Asp1834Asn (NM_001129840.2, NM_001129841.2, NM_001129842.2 and 2 more transcripts); c.5491G>A, p.Asp1831Asn (NM_001129844.2); c.5467G>A, p.Asp1823Asn (NM_001129846.2); c.5605G>A, p.Asp1869Asn (NM_001167624.3, NM_001129830.3); and 6 more; short protein forms D1842N, D1853N, D1869N, D1875N, D1894N, D1917N, D1823N, D1831N.
Identifiers: ClinVar variation 2972028 (VCV002972028.3), dbSNP rs1293019653, ClinGen allele CA383380815.

ClinVar aggregate classification (germline): Uncertain significance. Review status: criteria provided, multiple submitters, no conflicts (2 of 4 stars). 2 submissions from 2 submitters: Uncertain significance (2). Last evaluated 2025-11-21.

Conditions:
Long QT syndrome (LQTS). Identifiers: MedGen C0023976, MeSH D008133, MONDO:0002442. Disease mechanism: loss of function. Inheritance: Various modes of inheritance.
Cardiovascular phenotype. Identifiers: MedGen CN230736.

Allele frequency attached by ClinVar (database versions not stated): gnomAD exomes below 0.00001; TOPMed 0.00001; gnomAD 0.00002.
gnomAD v4.1: 4 of 1,612,516 alleles (0.00025%); highest among the groups gnomAD compares: African/African-American, 0.0053%; no homozygotes.

Submissions (2):

Labcorp Genetics (formerly Invitae), Labcorp
Classification: Uncertain significance for Long QT syndrome. Last evaluated: 2025-11-21. Review status: criteria provided, single submitter. Criteria: Invitae Variant Classification Sherloc (09022015). Collection method: clinical testing. Allele origin: germline.
Comment: This sequence change replaces aspartic acid, which is acidic and polar, with asparagine, which is neutral and polar, at codon 1834 of the CACNA1C protein (p.Asp1834Asn). This variant is not present in population databases (gnomAD no frequency). This variant has not been reported in the literature in individuals affected with CACNA1C-related conditions. ClinVar contains an entry for this variant (Variation ID: 2972028). Invitae Evidence Modeling of protein sequence and biophysical properties (such as structural, functional, and spatial information, amino acid conservation, physicochemical variation, residue mobility, and thermodynamic stability) indicates that this missense variant is not expected to disrupt CACNA1C protein function with a negative predictive value of 95%. In summary, the available evidence is currently insufficient to determine the role of this variant in disease. Therefore, it has been classified as a Variant of Uncertain Significance.

Ambry Genetics
Classification: Uncertain significance for Cardiovascular phenotype. Last evaluated: 2024-07-11. Review status: criteria provided, single submitter. Criteria: Ambry Variant Classification Scheme 2023. Collection method: clinical testing. Allele origin: germline.
Comment: The p.D1834N variant (also known as c.5500G>A), located in coding exon 43 of the CACNA1C gene, results from a G to A substitution at nucleotide position 5500. The aspartic acid at codon 1834 is replaced by asparagine, an amino acid with highly similar properties. This amino acid position is not well conserved in available vertebrate species. In addition, this alteration is predicted to be tolerated by in silico analysis. Based on the available evidence, the clinical significance of this variant remains unclear.